The following is an entry in ClinVar:

NM_005236.3(ERCC4):c.1763T>C (p.Val588Ala)

Gene: ERCC4 (ERCC excision repair 4, endonuclease catalytic subunit; plus strand). Cytogenetic location: 16p13.12.
Variant type: single nucleotide variant.
Coding change: c.1763T>C on transcript NM_005236.3 (MANE Select); coding-DNA position 1763, T replaced by C.
Protein change: p.Val588Ala; replaces valine 588 with alanine.
Molecular consequence: missense variant.
Genome position (GRCh38, 1-based): chr16:13,935,695, T>C. VCF-style: chr16-13935695-T-C. GRCh37 (hg19) VCF-style: chr16-14029552-T-C.
Other names: short protein forms V588A.
Identifiers: ClinVar variation 2077533 (VCV002077533.7), dbSNP rs371392134, ClinGen allele CA7910531.
Genomic context (GRCh38, chr16:13,935,695, plus strand): 5'-GGGTACTACATGAAGTGGAGCCAAGATACGTGGTTCTTTATGACGCAGAGCTAACCTTTG[T>C]TCGGCAGCTTGAAATTTACAGGGCGAGTAGGCCTGGGAAACCTCTGAGGCAAGTTATAAA-3'
Protein context (NP_005227.1, residues 578-598): VVLYDAELTF[Val588Ala]RQLEIYRASR

ClinVar aggregate classification (germline): Uncertain significance. Review status: criteria provided, multiple submitters, no conflicts (2 of 4 stars). 5 submissions from 4 submitters: Uncertain significance (4). 1 of the submissions does not count toward it. Last evaluated 2024-07-20.

Conditions:
Inborn genetic diseases. Identifiers: MedGen C0950123, MeSH D030342.
Fanconi anemia complementation group Q. Identifiers: Orphanet 84, MedGen C3808988, MONDO:0014108, OMIM 615272.
ERCC4-related disorder. Also called: ERCC4-related condition.
Xeroderma pigmentosum, group F (XPF). Also called: XERODERMA PIGMENTOSUM, COMPLEMENTATION GROUP F; XERODERMA PIGMENTOSUM VI; XP, GROUP F; ERCC4-Related Xeroderma Pigmentosum; XERODERMA PIGMENTOSUM, TYPE F; Xeroderma pigmentosum, type 6. Identifiers: MedGen C0268140, MONDO:0010215, OMIM 278760.
Cockayne syndrome. Identifiers: Orphanet 191, MedGen C0009207, MONDO:0016006.

Allele frequency attached by ClinVar (database versions not stated): gnomAD exomes 0.00001; ExAC 0.00002; ESP Exome Variant Server 0.00015; gnomAD 0.00017; TOPMed 0.00022.
gnomAD v4.1: 45 of 1,614,050 alleles (0.0028%); highest among the groups gnomAD compares: African/African-American, 0.059%; no homozygotes.

Submissions (5):

St. Jude Molecular Pathology, St. Jude Children's Research Hospital
Classification: Uncertain significance for Xeroderma pigmentosum, group F. Last evaluated: 2024-07-20. Review status: criteria provided, single submitter. Criteria: St. Jude Assertion Criteria 2020. Collection method: clinical testing. Allele origin: germline.
Comment: The ERCC4 c.1763T>C (p.Val588Ala) missense change has a maximum subpopulation frequency of 0.048% in gnomAD v2.1.1. The in silico tool REVEL predicts a deleterious effect on protein function, but to our knowledge this prediction has not been confirmed by functional studies. To our knowledge, this variant has not been reported in individuals with Fanconi anemia or Xeroderma pigmentosum. In summary, the evidence currently available is insufficient to determine the clinical significance of this variant. It has therefore been classified as of uncertain significance.

Labcorp Genetics (formerly Invitae), Labcorp
Classification: Uncertain significance for Fanconi anemia complementation group Q; Xeroderma pigmentosum, group F; Cockayne syndrome. Last evaluated: 2024-02-23. Review status: criteria provided, single submitter. Criteria: Invitae Variant Classification Sherloc (09022015). Collection method: clinical testing. Allele origin: germline.
Comment: This sequence change replaces valine, which is neutral and non-polar, with alanine, which is neutral and non-polar, at codon 588 of the ERCC4 protein (p.Val588Ala). This variant is present in population databases (rs371392134, gnomAD 0.05%). This variant has not been reported in the literature in individuals affected with ERCC4-related conditions. ClinVar contains an entry for this variant (Variation ID: 2077533). Advanced modeling of protein sequence and biophysical properties (such as structural, functional, and spatial information, amino acid conservation, physicochemical variation, residue mobility, and thermodynamic stability) performed at Invitae indicates that this missense variant is expected to disrupt ERCC4 protein function with a positive predictive value of 80%. In summary, the available evidence is currently insufficient to determine the role of this variant in disease. Therefore, it has been classified as a Variant of Uncertain Significance.

St. Jude Molecular Pathology, St. Jude Children's Research Hospital
Classification: Uncertain significance for Fanconi anemia complementation group Q. Last evaluated: 2023-05-23. Review status: criteria provided, single submitter. Criteria: St. Jude Assertion Criteria 2020. Collection method: clinical testing. Allele origin: germline.
Comment: the same text as in the submission from St. Jude Molecular Pathology, St. Jude Children's Research Hospital above.

Ambry Genetics
Classification: Uncertain significance for Inborn genetic diseases. Last evaluated: 2021-10-27. Review status: criteria provided, single submitter. Criteria: Ambry Variant Classification Scheme 2023. Collection method: clinical testing. Allele origin: germline.

PreventionGenetics, part of Exact Sciences
Classification: Uncertain significance for ERCC4-related condition. Last evaluated: 2024-03-25. Review status: no assertion criteria provided. Collection method: clinical testing. Allele origin: germline. Not counted in ClinVar's aggregate classification.
Comment: The ERCC4 c.1763T>C variant is predicted to result in the amino acid substitution p.Val588Ala. To our knowledge, this variant has not been reported in the literature. This variant is reported in 0.048% of alleles in individuals of African descent in gnomAD. At this time, the clinical significance of this variant is uncertain due to the absence of conclusive functional and genetic evidence.